The following is an entry in ClinVar:

ClinVar aggregate classification (germline): Pathogenic (1 of 4 stars; one submission).

Conditions:
Mucopolysaccharidosis, MPS-III-D (MPS3D). Also called: N-ACETYLGLUCOSAMINE-6-SULFATASE DEFICIENCY; SANFILIPPO SYNDROME D; MPS III D; Mucopoly-saccharidosis type 3D; N-acetylglucosamine-6-sulfate sulfatase deficiency; MPS 3D. Identifiers: Orphanet 581, Orphanet 79272, MedGen C0086650, MONDO:0009658, OMIM 252940.

Submission:

Labcorp Genetics (formerly Invitae), Labcorp
Classification: Pathogenic for Mucopolysaccharidosis, MPS-III-D. Last evaluated: 2021-03-31. Review status: criteria provided, single submitter. Criteria: Invitae Variant Classification Sherloc (09022015). Collection method: clinical testing. Allele origin: germline.
Comment: For these reasons, this variant has been classified as Pathogenic. This variant has not been reported in the literature in individuals with GNS-related conditions. The frequency data for this variant in the population databases is considered unreliable, as metrics indicate poor data quality at this position in the ExAC database. This sequence change creates a premature translational stop signal (p.Ala72Serfs*6) in the GNS gene. It is expected to result in an absent or disrupted protein product. Loss-of-function variants in GNS are known to be pathogenic (PMID: 20232353).

Literature cited by the submitters: PubMed 20232353.

NM_002076.4(GNS):c.214_220del (p.Ala72fs)

Gene: GNS (glucosamine (N-acetyl)-6-sulfatase; minus strand). Cytogenetic location: 12q14.3.
Variant type: Deletion.
Coding change: c.214_220del on transcript NM_002076.4 (MANE Select); coding-DNA positions 214 to 220, 7 bases deleted (GCTCTCA; older notation c.214_220delGCTCTCA).
Protein change: p.Ala72fs; shifts the reading frame from alanine 72.
Molecular consequence: frameshift variant.
Genome position (GRCh38, 1-based): chr12:64,752,730-64,752,736, TGAGAGC deleted on the plus strand (GCTCTCA on the coding strand, the reverse complement: GNS is on the minus strand); deleting any 7 consecutive bases within chr12:64,752,730-64,752,737 gives the same sequence; the c. name uses the placement nearest the transcript's 3' end. VCF-style (leftmost placement, unchanged base first): chr12-64752729-ATGAGAGC-A. GRCh37 (hg19) VCF-style: chr12-65146509-ATGAGAGC-A.
Other names: short protein forms A72fs.
Identifiers: ClinVar variation 1455915 (VCV001455915.6), dbSNP rs759378094, ClinGen allele CA6670008.
Genomic context (GRCh38, chr12:64,752,729, plus strand): 5'-AACAAAATTGAATTAACTTTCAAACTTACAGCACTGGAAAAAGTCATCCCCATCTCTCCG[ATGAGAGC>A]TTTGGTTTTCTTTAGCGGTGTCTGTAAAAGTAAGTAATTATCCATTAAACAATTTCTTCC-3'